The following is an entry in ClinVar:

ClinVar aggregate classification (germline): Uncertain significance (1 of 4 stars; one submission).

Conditions:
Hereditary cancer-predisposing syndrome. Also called: Neoplastic Syndromes, Hereditary; Tumor predisposition; Hereditary Cancer Syndrome; Hereditary neoplastic syndrome. Identifiers: Orphanet 140162, MedGen C0027672, MeSH D009386, MONDO:0015356.

Submission:

Ambry Genetics
Classification: Uncertain significance for Hereditary cancer-predisposing syndrome. Last evaluated: 2025-08-20. Review status: criteria provided, single submitter. Criteria: Ambry Variant Classification Scheme 2023. Collection method: clinical testing. Allele origin: germline.
Comment: The p.E971A variant (also known as c.2912A>C), located in coding exon 14 of the BLM gene, results from an A to C substitution at nucleotide position 2912. The glutamic acid at codon 971 is replaced by alanine, an amino acid with dissimilar properties. This amino acid position is conserved. In addition, this alteration is predicted to be deleterious by in silico analysis. Based on the available evidence, the clinical significance of this variant remains unclear.

NM_000057.4(BLM):c.2912A>C (p.Glu971Ala)

Gene: BLM (BLM RecQ like helicase; plus strand). Cytogenetic location: 15q26.1.
Variant type: single nucleotide variant.
Coding change: c.2912A>C on transcript NM_000057.4 (MANE Select); coding-DNA position 2912, A replaced by C.
Protein change: p.Glu971Ala; replaces glutamic acid 971 with alanine.
Molecular consequence: missense variant.
Genome position (GRCh38, 1-based): chr15:90,790,737, A>C. VCF-style: chr15-90790737-A-C. GRCh37 (hg19) VCF-style: chr15-91333967-A-C.
Other names: c.2912A>C, p.Glu971Ala (NM_001287246.2, NM_001287247.2); c.1787A>C, p.Glu596Ala (NM_001287248.2); short protein forms E596A, E971A.
Identifiers: ClinVar variation 4212041 (VCV004212041.1).